The following is an entry in ClinVar:

NM_001036.6(RYR3):c.3952C>G (p.Gln1318Glu)

Gene: RYR3 (ryanodine receptor 3; plus strand). Cytogenetic location: 15q14.
Variant type: single nucleotide variant.
Coding change: c.3952C>G on transcript NM_001036.6 (MANE Select); coding-DNA position 3952, C replaced by G.
Protein change: p.Gln1318Glu; replaces glutamine 1318 with glutamic acid.
Molecular consequence: missense variant.
Genome position (GRCh38, 1-based): chr15:33,647,434, C>G. VCF-style: chr15-33647434-C-G. GRCh37 (hg19) VCF-style: chr15-33939635-C-G.
Other names: c.3952C>G, p.Gln1318Glu (NM_001243996.4); short protein forms Q1318E.
Identifiers: ClinVar variation 461909 (VCV000461909.47), dbSNP rs370044621, ClinGen allele CA268589135.

ClinVar aggregate classification (germline): Uncertain significance. Review status: criteria provided, multiple submitters, no conflicts (2 of 4 stars). 2 submissions from 2 submitters: Uncertain significance (2). Last evaluated 2022-06-27.

Conditions:
Epileptic encephalopathy. Identifiers: MedGen C0543888, HP:0200134.

Allele frequency attached by ClinVar (database versions not stated): gnomAD exomes below 0.00001; ESP Exome Variant Server 0.00008.
gnomAD v4.1: 3 of 1,607,572 alleles (0.00019%); highest among the groups gnomAD compares: African/African-American, 0.004%; no homozygotes.

Submissions (2):

Labcorp Genetics (formerly Invitae), Labcorp
Classification: Uncertain significance for Epileptic encephalopathy. Last evaluated: 2022-06-27. Review status: criteria provided, single submitter. Criteria: Invitae Variant Classification Sherloc (09022015). Collection method: clinical testing. Allele origin: germline.
Comment: This sequence change replaces glutamine, which is neutral and polar, with glutamic acid, which is acidic and polar, at codon 1318 of the RYR3 protein (p.Gln1318Glu). This variant is not present in population databases (gnomAD no frequency). This variant has not been reported in the literature in individuals affected with RYR3-related conditions. ClinVar contains an entry for this variant (Variation ID: 461909). Algorithms developed to predict the effect of missense changes on protein structure and function (SIFT, PolyPhen-2, Align-GVGD) all suggest that this variant is likely to be tolerated. In summary, the available evidence is currently insufficient to determine the role of this variant in disease. Therefore, it has been classified as a Variant of Uncertain Significance.

CeGaT Center for Human Genetics Tuebingen
Classification: Uncertain significance. Last evaluated: 2018-05-01. Review status: criteria provided, single submitter. Criteria: CeGaT Center For Human Genetics Tuebingen Variant Classification Criteria Version 2. Collection method: clinical testing. Allele origin: germline. Affected: yes. Observed: 1 variant allele.